The following is an entry in ClinVar:

ClinVar aggregate classification (germline): Likely benign (0 of 4 stars; one submission).

Conditions:
PADI6-related disorder. Also called: PADI6-related condition.

Allele frequency attached by ClinVar (database versions not stated): ExAC 0.00017; ESP Exome Variant Server 0.00041; gnomAD 0.00070; 1000 Genomes Project 30x 0.00078; 1000 Genomes Project 0.00080; TOPMed 0.00080.
gnomAD v4.1: 182 of 1,614,056 alleles (0.011%); highest among the groups gnomAD compares: African/African-American, 0.23%; no homozygotes.

Submission:

PreventionGenetics, part of Exact Sciences
Classification: Likely benign for PADI6-related condition. Last evaluated: 2019-02-22. Review status: no assertion criteria provided. Collection method: clinical testing. Allele origin: germline.
Comment: This variant is classified as likely benign based on ACMG/AMP sequence variant interpretation guidelines (Richards et al. 2015 PMID: 25741868, with internal and published modifications).

NM_207421.4(PADI6):c.1998T>C (p.Cys666=)

Gene: PADI6 (peptidyl arginine deiminase 6; plus strand). Cytogenetic location: 1p36.13.
Variant type: single nucleotide variant.
Coding change: c.1998T>C on transcript NM_207421.4 (MANE Select); coding-DNA position 1998, T replaced by C.
Protein change: p.Cys666=; no amino-acid change (cysteine 666 retained).
Molecular consequence: synonymous variant.
Genome position (GRCh38, 1-based): chr1:17,401,351, T>C. VCF-style: chr1-17401351-T-C. GRCh37 (hg19) VCF-style: chr1-17727847-T-C.
Identifiers: ClinVar variation 3052576 (VCV003052576.2), dbSNP rs183565903, ClinGen allele CA641990.
Genomic context (GRCh38, chr1:17,401,351, plus strand): 5'-GATTTGCTGCTTGCTGGAGCCCCTGGGCTTCAAGTGCACCTTCATCAATGACTTTGACTG[T>C]TACCTGACAGAGGTCGGAGACATCTGTGCCTGTGCCAACATCCGCCGGGTGCCCTTTGCC-3'
Protein context (NP_997304.3, residues 656-676): FKCTFINDFD[Cys666=]YLTEVGDICA